The following is an entry in ClinVar:

NM_032638.5(GATA2):c.326C>T (p.Ala109Val)

Gene: GATA2 (GATA binding protein 2; minus strand). Cytogenetic location: 3q21.3.
Variant type: single nucleotide variant.
Coding change: c.326C>T on transcript NM_032638.5 (MANE Select); coding-DNA position 326, C replaced by T.
Protein change: p.Ala109Val; replaces alanine 109 with valine.
Molecular consequence: missense variant.
Genome position (GRCh38, 1-based): chr3:128,486,272, G>A on the plus strand (C>T on the coding strand, the complement: GATA2 is on the minus strand). VCF-style: chr3-128486272-G-A. GRCh37 (hg19) VCF-style: chr3-128205115-G-A.
Other names: c.326C>T, p.Ala109Val (NM_001145661.2, NM_001145662.1); short protein forms A109V.
Identifiers: ClinVar variation 834704 (VCV000834704.7), dbSNP rs1271751829, ClinGen allele CA354407321.
Genomic context (GRCh38, chr3:128,486,272, plus strand): 5'-GAGGGGTGCAGTGGCGTCTTGGAGAAGGGGCTCACGGTCCAGGGGTTGTGGTGGTGGGCC[G>A]CAGCGGCAGAGAGGGCTGCTTTGCCCCCGTCCAGCCAGGGCAAACCCGGGCTGTGCAACA-3'
Protein context (NP_116027.2, residues 99-119): DGGKAALSAA[Ala109Val]AHHHNPWTVS

ClinVar aggregate classification (germline): Uncertain significance (1 of 4 stars; one submission).

Conditions:
Monocytopenia with susceptibility to infections. Also called: MONOCYTOPENIA AND MYCOBACTERIAL INFECTION SYNDROME; MONOCYTOPENIA WITH SUSCEPTIBILITY TO MYCOBACTERIAL, FUNGAL, AND PAPILLOMAVIRUS INFECTIONS AND MYELODYSPLASIA; COMBINED IMMUNODEFICIENCY WITH SUSCEPTIBILITY TO MYCOBACTERIAL, VIRAL, AND FUNGAL INFECTIONS; Dendritic cell, monocyte, B lymphocyte, and natural killer lymphocyte deficiency; IMMUNODEFICIENCY 21; GATA2 DEFICIENCY. Identifiers: Orphanet 228423, MedGen C3280030, MONDO:0013607, OMIM 614172.
Deafness-lymphedema-leukemia syndrome. Also called: Lymphedema, primary, with myelodysplasia; Emberger syndrome. Identifiers: Orphanet 3226, MedGen C3279664, MONDO:0013540, OMIM 614038.

Allele frequency attached by ClinVar (database versions not stated): TOPMed 0.00001; gnomAD exomes 0.00002 and 0.00001.
gnomAD v4.1: 12 of 1,574,402 alleles (0.00076%); highest among the groups gnomAD compares: Non-Finnish European, 0.001%; no homozygotes.

Submission:

Labcorp Genetics (formerly Invitae), Labcorp
Classification: Uncertain significance for Monocytopenia with susceptibility to infections; Deafness-lymphedema-leukemia syndrome. Last evaluated: 2025-04-10. Review status: criteria provided, single submitter. Criteria: Invitae Variant Classification Sherloc (09022015). Collection method: clinical testing. Allele origin: germline.
Comment: This sequence change replaces alanine, which is neutral and non-polar, with valine, which is neutral and non-polar, at codon 109 of the GATA2 protein (p.Ala109Val). The frequency data for this variant in the population databases is considered unreliable, as metrics indicate poor data quality at this position in the gnomAD database. This variant has not been reported in the literature in individuals affected with GATA2-related conditions. ClinVar contains an entry for this variant (Variation ID: 834704). Invitae Evidence Modeling of protein sequence and biophysical properties (such as structural, functional, and spatial information, amino acid conservation, physicochemical variation, residue mobility, and thermodynamic stability) indicates that this missense variant is not expected to disrupt GATA2 protein function with a negative predictive value of 95%. In summary, the available evidence is currently insufficient to determine the role of this variant in disease. Therefore, it has been classified as a Variant of Uncertain Significance.